The following is an entry in ClinVar:

ClinVar aggregate classification (germline): Uncertain significance. Review status: criteria provided, multiple submitters, no conflicts (2 of 4 stars). 3 submissions from 3 submitters: Uncertain significance (3). Last evaluated 2025-09-10.

Conditions:
Inborn genetic diseases. Identifiers: MedGen C0950123, MeSH D030342.
Malignant hyperthermia, susceptibility to, 1 (MHS1). Also called: Anesthesia related hyperthermia; Malignant hyperpyrexia; Fulminating hyperpyrexia; Pharmacogenic myopathy; Malignant hyperthermia suceptibility 1; RYR1-Related Malignant Hyperthermia Susceptibility. Identifiers: Orphanet 423, MedGen C2930980, MONDO:0007783, OMIM 145600.
RYR1-related disorder. Also called: RYR1-related condition; RYR1-related disorders. Identifiers: MedGen CN239331.

Allele frequency attached by ClinVar (database versions not stated): gnomAD 0.00005; ExAC 0.00008; TOPMed 0.00008; ESP Exome Variant Server 0.00015.
gnomAD v4.1: 11 of 1,588,220 alleles (0.00069%); highest among the groups gnomAD compares: African/African-American, 0.015%; no homozygotes.

Submissions (3):

Labcorp Genetics (formerly Invitae), Labcorp
Classification: Uncertain significance for RYR1-related disorder. Last evaluated: 2025-09-10. Review status: criteria provided, single submitter. Criteria: Invitae Variant Classification Sherloc (09022015). Collection method: clinical testing. Allele origin: germline.
Comment: This sequence change replaces threonine, which is neutral and polar, with serine, which is neutral and polar, at codon 952 of the RYR1 protein (p.Thr952Ser). This variant is present in population databases (rs372468731, gnomAD 0.02%). This variant has not been reported in the literature in individuals affected with RYR1-related conditions. ClinVar contains an entry for this variant (Variation ID: 2721499). Invitae Evidence Modeling of protein sequence and biophysical properties (such as structural, functional, and spatial information, amino acid conservation, physicochemical variation, residue mobility, and thermodynamic stability) indicates that this missense variant is not expected to disrupt RYR1 protein function with a negative predictive value of 80%. In summary, the available evidence is currently insufficient to determine the role of this variant in disease. Therefore, it has been classified as a Variant of Uncertain Significance.

Ambry Genetics
Classification: Uncertain significance for Inborn genetic diseases. Last evaluated: 2024-09-18. Review status: criteria provided, single submitter. Criteria: Ambry Variant Classification Scheme 2023. Collection method: clinical testing. Allele origin: germline.

Color Diagnostics, LLC DBA Color Health
Classification: Uncertain significance for Malignant hyperthermia, susceptibility to, 1. Last evaluated: 2024-04-03. Review status: criteria provided, single submitter. Criteria: ACMG Guidelines, 2015. Collection method: clinical testing. Allele origin: germline.
Comment: This missense variant replaces threonine with serine at codon 952 of the RYR1 protein. Computational prediction suggests that this variant may not impact protein structure and function. To our knowledge, functional studies have not been reported for this variant. This variant has not been reported in individuals affected with RYR1-related disorders in the literature. This variant has been identified in 5/238774 chromosomes in the general population by the Genome Aggregation Database (gnomAD). The available evidence is insufficient to determine the role of this variant in disease conclusively. Therefore, this variant is classified as a Variant of Uncertain Significance.

NM_000540.3(RYR1):c.2854A>T (p.Thr952Ser)

Gene: RYR1 (ryanodine receptor 1; plus strand). Cytogenetic location: 19q13.2.
Variant type: single nucleotide variant.
Coding change: c.2854A>T on transcript NM_000540.3 (MANE Select); coding-DNA position 2854, A replaced by T.
Protein change: p.Thr952Ser; replaces threonine 952 with serine.
Molecular consequence: missense variant.
Genome position (GRCh38, 1-based): chr19:38,464,706, A>T. VCF-style: chr19-38464706-A-T. GRCh37 (hg19) VCF-style: chr19-38955346-A-T.
Other names: c.2854A>T, p.Thr952Ser (NM_001042723.2); short protein forms T952S.
Identifiers: ClinVar variation 2721499 (VCV002721499.4), dbSNP rs372468731, ClinGen allele CA064102.